The following is an entry in ClinVar:

ClinVar aggregate classification (germline): Conflicting classifications of pathogenicity. Review status: criteria provided, conflicting classifications (1 of 4 stars). 5 submissions from 5 submitters: Uncertain significance (1); Likely benign (4). Last evaluated 2025-08-14.

Conditions:
Arrhythmogenic right ventricular dysplasia 8 (ARVD8). Also called: Arrhythmogenic Right Ventricular Dysplasia/Cardiomyopathy 8; ARRHYTHMOGENIC RIGHT VENTRICULAR DYSPLASIA, FAMILIAL, 8; ARRHYTHMOGENIC RIGHT VENTRICULAR CARDIOMYOPATHY 8. Identifiers: MedGen C1843896, MONDO:0011831, OMIM 607450.
Arrhythmogenic cardiomyopathy with wooly hair and keratoderma. Also called: Carvajal syndrome; PALMOPLANTAR KERATODERMA WITH LEFT VENTRICULAR CARDIOMYOPATHY AND WOOLLY HAIR; Dilated cardiomyopathy with woolly hair and keratoderma; Arrhythmogenic cardiomyopathy with woolly hair and keratoderma. Identifiers: Orphanet 65282, MedGen C1854063, MONDO:0011581, OMIM 605676.
Cardiovascular phenotype. Identifiers: MedGen CN230736.
Cardiomyopathy (CMYO). Also called: Cardiomyopathies. Identifiers: Orphanet 167848, MedGen C0878544, MONDO:0004994, HP:0001638. Inheritance: Various modes of inheritance.

Allele frequency attached by ClinVar (database versions not stated): gnomAD exomes below 0.00001.
gnomAD v4.1: 4 of 1,614,176 alleles (0.00025%); highest among the groups gnomAD compares: South Asian, 0.0011%; no homozygotes.

Submissions (5):

Color Diagnostics, LLC DBA Color Health
Classification: Likely benign for Cardiomyopathy. Last evaluated: 2025-08-14. Review status: criteria provided, single submitter. Criteria: ACMG Guidelines, 2015. Collection method: clinical testing. Allele origin: germline.

Molecular Diagnostic Laboratory for Inherited Cardiovascular Disease, Montreal Heart Institute
Classification: Likely benign. Last evaluated: 2025-02-17. Review status: criteria provided, single submitter. Criteria: ACMG Guidelines, 2015. Collection method: clinical testing. Allele origin: germline. Affected: no.
Comment: BP5;BP7

Labcorp Genetics (formerly Invitae), Labcorp
Classification: Likely benign for Arrhythmogenic cardiomyopathy with wooly hair and keratoderma; Arrhythmogenic right ventricular dysplasia 8. Last evaluated: 2024-08-31. Review status: criteria provided, single submitter. Criteria: Invitae Variant Classification Sherloc (09022015). Collection method: clinical testing. Allele origin: germline.

Ambry Genetics
Classification: Likely benign for Cardiovascular phenotype. Last evaluated: 2023-12-10. Review status: criteria provided, single submitter. Criteria: Ambry Variant Classification Scheme 2023. Collection method: clinical testing. Allele origin: germline.

GeneDx
Classification: Uncertain significance. Last evaluated: 2021-05-28. Review status: criteria provided, single submitter. Criteria: GeneDx Variant Classification Process June 2021. Collection method: clinical testing. Allele origin: germline. Affected: yes.
Comment: Has not been previously published as pathogenic or benign to our knowledge; Not observed at a significant frequency in large population cohorts (Lek et al., 2016); In silico analysis, which includes splice predictors and evolutionary conservation, suggests this variant may impact gene splicing. In the absence of RNA/functional studies, the actual effect of this sequence change is unknown.; This variant is associated with the following publications: (PMID: 27535533)

NM_004415.4(DSP):c.2109A>G (p.Thr703=)

Gene: DSP (desmoplakin; plus strand). Cytogenetic location: 6p24.3.
Variant type: single nucleotide variant.
Coding change: c.2109A>G on transcript NM_004415.4 (MANE Select); coding-DNA position 2109, A replaced by G.
Protein change: p.Thr703=; no amino-acid change (threonine 703 retained).
Molecular consequence: synonymous variant.
Genome position (GRCh38, 1-based): chr6:7,572,047, A>G. VCF-style: chr6-7572047-A-G. GRCh37 (hg19) VCF-style: chr6-7572280-A-G.
Other names: c.2109A>G, p.Thr703= (NM_001008844.3, NM_001319034.2); c.2109A>G (NM_004415.3).
Identifiers: ClinVar variation 1326631 (VCV001326631.8), dbSNP rs1351265258, ClinGen allele CA448525626.